The following is an entry in ClinVar:

NM_006514.4(SCN10A):c.3157T>A (p.Ser1053Thr)

Genes: SCN10A (sodium voltage-gated channel alpha subunit 10; minus strand), LOC110121288 (VISTA enhancer hs2268; plus strand). Cytogenetic location: 3p22.2.
Variant type: single nucleotide variant.
Coding change: c.3157T>A on transcript NM_006514.4 (MANE Select); coding-DNA position 3157, T replaced by A.
Protein change: p.Ser1053Thr; replaces serine 1053 with threonine.
Molecular consequence: missense variant.
Genome position (GRCh38, 1-based): chr3:38,725,245, A>T on the plus strand (T>A on the coding strand, the complement: SCN10A is on the minus strand). VCF-style: chr3-38725245-A-T. GRCh37 (hg19) VCF-style: chr3-38766736-A-T.
Other names: c.3154T>A, p.Ser1052Thr (NM_001293306.2); c.2863T>A, p.Ser955Thr (NM_001293307.2); c.3157T>A (NM_006514.2); short protein forms S1053T, S1052T, S955T.
Identifiers: ClinVar variation 1427407 (VCV001427407.4), dbSNP rs962402134, ClinGen allele CA72959587.

ClinVar aggregate classification (germline): Uncertain significance. Review status: criteria provided, multiple submitters, no conflicts (2 of 4 stars). 2 submissions from 2 submitters: Uncertain significance (2). Last evaluated 2023-11-22.

Conditions:
Cardiovascular phenotype. Identifiers: MedGen CN230736.
Brugada syndrome. Also called: Sudden unexplained nocturnal death syndrome; Sudden Unexplained Death Syndrome; Sudden Unexplained Nocturnal Death Syndrome (SUNDS); Sudden unexpected nocturnal death syndrome. Identifiers: Orphanet 130, MedGen C1142166, MONDO:0015263.

Allele frequency attached by ClinVar (database versions not stated): gnomAD exomes below 0.00001; gnomAD 0.00001 and 0.00002; TOPMed 0.00001.
gnomAD v4.1: 7 of 1,606,500 alleles (0.00044%); highest among the groups gnomAD compares: African/African-American, 0.0053%; no homozygotes.

Submissions (2):

Ambry Genetics
Classification: Uncertain significance for Cardiovascular phenotype. Last evaluated: 2023-11-22. Review status: criteria provided, single submitter. Criteria: Ambry Variant Classification Scheme 2023. Collection method: clinical testing. Allele origin: germline.
Comment: The p.S1053T variant (also known as c.3157T>A), located in coding exon 17 of the SCN10A gene, results from a T to A substitution at nucleotide position 3157. The serine at codon 1053 is replaced by threonine, an amino acid with similar properties. This amino acid position is conserved. In addition, this alteration is predicted to be tolerated by in silico analysis. Since supporting evidence is limited at this time, the clinical significance of this alteration remains unclear.

Labcorp Genetics (formerly Invitae), Labcorp
Classification: Uncertain significance for Brugada syndrome. Last evaluated: 2022-07-15. Review status: criteria provided, single submitter. Criteria: Invitae Variant Classification Sherloc (09022015). Collection method: clinical testing. Allele origin: germline.
Comment: This sequence change replaces serine, which is neutral and polar, with threonine, which is neutral and polar, at codon 1053 of the SCN10A protein (p.Ser1053Thr). This variant is not present in population databases (gnomAD no frequency). This variant has not been reported in the literature in individuals affected with SCN10A-related conditions. ClinVar contains an entry for this variant (Variation ID: 1427407). Advanced modeling of protein sequence and biophysical properties (such as structural, functional, and spatial information, amino acid conservation, physicochemical variation, residue mobility, and thermodynamic stability) performed at Invitae indicates that this missense variant is not expected to disrupt SCN10A protein function. In summary, the available evidence is currently insufficient to determine the role of this variant in disease. Therefore, it has been classified as a Variant of Uncertain Significance.